The following is an entry in ClinVar:

NM_007194.4(CHEK2):c.593-14C>G

Gene: CHEK2 (checkpoint kinase 2; minus strand). Cytogenetic location: 22q12.1.
Variant type: single nucleotide variant.
Coding change: c.593-14C>G on transcript NM_007194.4 (MANE Select); 14 bases into the intron before coding-DNA position 593, C replaced by G.
Molecular consequence: intron variant.
Genome position (GRCh38, 1-based): chr22:28,719,499, G>C on the plus strand (C>G on the coding strand, the complement: CHEK2 is on the minus strand). VCF-style: chr22-28719499-G-C. GRCh37 (hg19) VCF-style: chr22-29115487-G-C.
Other names: c.-71-14C>G (NM_001437942.1, NM_001257387.3); c.482+5387C>G (NM_001349956.3); c.593-14C>G (NM_145862.3); c.686-14C>G (NM_001438295.1, NM_001438293.1); c.722-14C>G (NM_001438294.1, NM_001005735.3).
Identifiers: ClinVar variation 548838 (VCV000548838.18), dbSNP rs145754558, ClinGen allele CA323028595.

ClinVar aggregate classification (germline): Conflicting classifications of pathogenicity. Review status: criteria provided, conflicting classifications (1 of 4 stars). 6 submissions from 6 submitters: Uncertain significance (1); Likely benign (4). 1 of the submissions does not count toward it. Last evaluated 2025-12-29.

Conditions:
Hereditary cancer-predisposing syndrome. Also called: Hereditary Cancer Syndrome; Hereditary neoplastic syndrome; Tumor predisposition; Neoplastic Syndromes, Hereditary. Identifiers: Orphanet 140162, MedGen C0027672, MeSH D009386, MONDO:0015356.
CHEK2-related cancer predisposition (TPDS4). Also called: CHEK2-related cancer susceptibility; TUMOR PREDISPOSITION SYNDROME 4; CANCER PREDISPOSITION SYNDROME, CHEK2-RELATED. Identifiers: Orphanet 524, MedGen C5882668, MONDO:0700271, OMIM 609265.
Familial cancer of breast. Also called: Hereditary breast cancer; hereditary breast carcinoma; BREAST CANCER, FAMILIAL. Identifiers: Orphanet 227535, MedGen C0346153, MONDO:0016419, OMIM 114480. Disease mechanism: loss of function.

Allele frequency attached by ClinVar (database versions not stated): TOPMed 0.00001.
gnomAD v4.1: 3 of 1,457,624 alleles (0.00021%); highest among the groups gnomAD compares: Middle Eastern, 0.018%; no homozygotes.

Submissions (6):

Center for Genomic Medicine, Rigshospitalet, Copenhagen University Hospital
Classification: Likely benign. Last evaluated: 2025-12-29. Review status: criteria provided, single submitter. Criteria: ACMG Guidelines, 2015. Collection method: clinical testing. Allele origin: germline.

Labcorp Genetics (formerly Invitae), Labcorp
Classification: Likely benign for Familial cancer of breast. Last evaluated: 2025-11-22. Review status: criteria provided, single submitter. Criteria: Invitae Variant Classification Sherloc (09022015). Collection method: clinical testing. Allele origin: germline.

Myriad Genetics, Inc.
Classification: Uncertain significance for Familial cancer of breast. Last evaluated: 2023-03-07. Review status: criteria provided, single submitter. Criteria: Myriad Autosomal Dominant, Autosomal Recessive and X-Linked Classification Criteria (2023). Collection method: clinical testing. Allele origin: unknown.
Comment: This variant is classified as a variant of uncertain significance as there is insufficient evidence to determine its impact on protein function and/or cancer risk.

Color Diagnostics, LLC DBA Color Health
Classification: Likely benign for Hereditary cancer-predisposing syndrome. Last evaluated: 2019-05-15. Review status: criteria provided, single submitter. Criteria: ACMG Guidelines, 2015. Collection method: clinical testing. Allele origin: germline.

Illumina Laboratory Services, Illumina
Classification: Likely benign for CHEK2-Related Cancer Susceptibility. Last evaluated: 2017-04-27. Review status: criteria provided, single submitter. Criteria: ICSL Variant Classification Criteria 13 December 2019. Collection method: clinical testing. Allele origin: germline.
Comment: This variant was observed as part of a predisposition screen in an ostensibly healthy population. A literature search was performed for the gene, cDNA change, and amino acid change (where applicable). No publications were found based on this search. Allele frequency data from public databases allowed determination this variant is unlikely to cause disease. Therefore, this variant is classified as likely benign.

Counsyl
Classification: Likely benign for Familial cancer of breast. Last evaluated: 2018-01-08. Review status: no assertion criteria provided. Collection method: clinical testing. Allele origin: unknown. Not counted in ClinVar's aggregate classification.